The following is an entry in ClinVar:

ClinVar aggregate classification (germline): Pathogenic/Likely pathogenic. Review status: criteria provided, multiple submitters, no conflicts (2 of 4 stars). 2 submissions from 2 submitters: Pathogenic (1); Likely pathogenic (1). Last evaluated 2024-03-15.

Conditions:
Autosomal recessive polycystic kidney disease (ARPKD). Also called: AR polycystic kidney disease. Identifiers: Orphanet 731, Orphanet 8378, MedGen C0085548, MeSH D017044, MONDO:0009889.
Polycystic kidney disease 4 (PKD4). Also called: PKD3; POLYCYSTIC KIDNEY AND HEPATIC DISEASE 1; POLYCYSTIC KIDNEY DISEASE, INFANTILE, TYPE I; POLYCYSTIC KIDNEY DISEASE 4 WITH OR WITHOUT POLYCYSTIC LIVER DISEASE; Autosomal Recessive Polycystic Kidney Disease – PKHD1. Identifiers: MedGen C4540575, MONDO:0033004, OMIM 263200.

Submissions (2):

Fulgent Genetics
Classification: Likely pathogenic for Polycystic kidney disease 4. Last evaluated: 2024-03-15. Review status: criteria provided, single submitter. Criteria: ACMG Guidelines, 2015. Collection method: clinical testing. Allele origin: germline.

Labcorp Genetics (formerly Invitae), Labcorp
Classification: Pathogenic for Autosomal recessive polycystic kidney disease. Last evaluated: 2023-10-22. Review status: criteria provided, single submitter. Criteria: Invitae Variant Classification Sherloc (09022015). Collection method: clinical testing. Allele origin: germline.
Comment: This sequence change creates a premature translational stop signal (p.Cys2491*) in the PKHD1 gene. It is expected to result in an absent or disrupted protein product. Loss-of-function variants in PKHD1 are known to be pathogenic (PMID: 19940839). This variant is not present in population databases (gnomAD no frequency). This variant has not been reported in the literature in individuals affected with PKHD1-related conditions. ClinVar contains an entry for this variant (Variation ID: 1410485). For these reasons, this variant has been classified as Pathogenic.

Literature cited by the submitters: PubMed 19940839 (cited by Labcorp Genetics (formerly Invitae), Labcorp).

NM_138694.4(PKHD1):c.7473T>A (p.Cys2491Ter)

Gene: PKHD1 (PKHD1 ciliary IPT domain containing fibrocystin/polyductin; minus strand). Cytogenetic location: 6p12.2.
Variant type: single nucleotide variant.
Coding change: c.7473T>A on transcript NM_138694.4 (MANE Select); coding-DNA position 7473, T replaced by A.
Protein change: p.Cys2491Ter; replaces cysteine 2491 with a stop codon.
Molecular consequence: nonsense.
Genome position (GRCh38, 1-based): chr6:51,870,517, A>T on the plus strand (T>A on the coding strand, the complement: PKHD1 is on the minus strand). VCF-style: chr6-51870517-A-T. GRCh37 (hg19) VCF-style: chr6-51735315-A-T.
Other names: c.7473T>A, p.Cys2491Ter (NM_170724.3); short protein forms C2491*.
Identifiers: ClinVar variation 1410485 (VCV001410485.7), dbSNP rs2151777194, ClinGen allele CA364419356.